The following is an entry in ClinVar:

NM_018026.4(PACS1):c.104AGC[5] (p.Gln40del)

Gene: PACS1 (phosphofurin acidic cluster sorting protein 1; plus strand). Cytogenetic location: 11q13.1.
Variant type: Microsatellite.
Coding change: c.104AGC[5] on transcript NM_018026.4 (MANE Select); five copies in a row of the 3-base unit AGC starting at c.104; the reference has six copies in a row; one copy, 3 bases deleted.
Protein change: p.Gln40del; deletes glutamine 40.
Genome position (GRCh38, 1-based): chr11:66,070,605-66,070,607, AGC deleted; deleting any 3 consecutive bases within chr11:66,070,588-66,070,607 gives the same sequence; the position shown is the placement nearest the transcript's 3' end. VCF-style (leftmost placement, unchanged base first): chr11-66070587-CGCA-C. GRCh37 (hg19) VCF-style: chr11-65838058-CGCA-C.
Other names: short protein forms Q40del.
Identifiers: ClinVar variation 3060801 (VCV003060801.3), dbSNP rs749515977, ClinGen allele CA6116164.

ClinVar aggregate classification (germline): Likely benign. Review status: criteria provided, single submitter (1 of 4 stars). 2 submissions from 2 submitters: Likely benign (1). 1 of the submissions does not count toward it. Last evaluated 2024-11-21.

Conditions:
PACS1-related disorder. Also called: PACS1-related condition.

Submissions (2):

Blueprint Genetics
Classification: Likely benign. Last evaluated: 2024-11-21. Review status: criteria provided, single submitter. Criteria: ACMG Guidelines, 2015. Collection method: clinical testing. Allele origin: germline.

PreventionGenetics, part of Exact Sciences
Classification: Likely benign for PACS1-related condition. Last evaluated: 2019-03-14. Review status: no assertion criteria provided. Collection method: clinical testing. Allele origin: germline. Not counted in ClinVar's aggregate classification.
Comment: This variant is classified as likely benign based on ACMG/AMP sequence variant interpretation guidelines (Richards et al. 2015 PMID: 25741868, with internal and published modifications).